The following is an entry in ClinVar:

ClinVar aggregate classification (germline): Likely benign. Review status: criteria provided, multiple submitters, no conflicts (2 of 4 stars). 2 submissions from 2 submitters: Likely benign (2). Last evaluated 2023-09-17.

Conditions:
Autosomal recessive limb-girdle muscular dystrophy type 2F (LGMDR6). Also called: MUSCULAR DYSTROPHY, LIMB-GIRDLE, AUTOSOMAL RECESSIVE 6; Muscular dystrophy limb-girdle with delta-sarcoglyan deficiency. Identifiers: Orphanet 219, MedGen C1832525, MONDO:0011028, OMIM 601287. Disease mechanism: Affects gamma-sarcoglycan and also disrupts the integrity of the entire sarcoglycan complex..

Allele frequency attached by ClinVar (database versions not stated): gnomAD exomes below 0.00001; TOPMed 0.00001.
gnomAD v4.1: 1 of 1,515,478 alleles (0.000066%); highest among the groups gnomAD compares: African/African-American, 0.0014%; no homozygotes.

Submissions (2):

Labcorp Genetics (formerly Invitae), Labcorp
Classification: Likely benign for Autosomal recessive limb-girdle muscular dystrophy type 2F. Last evaluated: 2023-09-17. Review status: criteria provided, single submitter. Criteria: Invitae Variant Classification Sherloc (09022015). Collection method: clinical testing. Allele origin: germline.

GeneDx
Classification: Likely benign. Last evaluated: 2017-10-10. Review status: criteria provided, single submitter. Criteria: GeneDx Variant Classification (06012015). Collection method: clinical testing. Allele origin: germline. Affected: yes.
Comment: This variant is considered likely benign or benign based on one or more of the following criteria: it is a conservative change, it occurs at a poorly conserved position in the protein, it is predicted to be benign by multiple in silico algorithms, and/or has population frequency not consistent with disease.

NM_000337.6(SGCD):c.576-15T>C

Gene: SGCD (sarcoglycan delta; plus strand). Cytogenetic location: 5q33.3.
Variant type: single nucleotide variant.
Coding change: c.576-15T>C on transcript NM_000337.6 (MANE Select); 15 bases into the intron before coding-DNA position 576, T replaced by C.
Molecular consequence: intron variant.
Genome position (GRCh38, 1-based): chr5:156,757,566, T>C. VCF-style: chr5-156757566-T-C. GRCh37 (hg19) VCF-style: chr5-156184577-T-C.
Other names: c.573-15T>C (NM_001128209.2); c.576-15T>C (NM_172244.3).
Identifiers: ClinVar variation 512612 (VCV000512612.4), dbSNP rs918017706, ClinGen allele CA130642113.
Genomic context (GRCh38, chr5:156,757,566, plus strand): 5'-CTTGAGCATGAACTTCCTTTTGTATTTATTAAAAAGAAAAAGGGATCTTTATTGACGATC[T>C]TGGGTGTTTTTCAGGTTGGAGTCCCCAACCCGGTCTCTAGTGATGGAGGCCCCAAAAGGA-3'